The following is an entry in ClinVar:

NM_001110219.3(GJB6):c.111G>A (p.Val37=)

Gene: GJB6 (gap junction protein beta 6; minus strand). Cytogenetic location: 13q12.11.
Variant type: single nucleotide variant.
Coding change: c.111G>A on transcript NM_001110219.3 (MANE Select); coding-DNA position 111, G replaced by A.
Protein change: p.Val37=; no amino-acid change (valine 37 retained).
Molecular consequence: synonymous variant.
Genome position (GRCh38, 1-based): chr13:20,223,370, C>T on the plus strand (G>A on the coding strand, the complement: GJB6 is on the minus strand). VCF-style: chr13-20223370-C-T. GRCh37 (hg19) VCF-style: chr13-20797509-C-T.
Other names: c.111G>A, p.Val37= (NM_001110220.3, NM_001110221.3, NM_001370090.1 and 3 more transcripts); c.111G>A (NM_001110219.2).
Identifiers: ClinVar variation 498602 (VCV000498602.16), dbSNP rs543659673, ClinGen allele CA6904508.

ClinVar aggregate classification (germline): Conflicting classifications of pathogenicity. Review status: criteria provided, conflicting classifications (1 of 4 stars). 4 submissions from 4 submitters: Uncertain significance (1); Benign (1); Likely benign (1). 1 of the submissions does not count toward it. Last evaluated 2024-06-25.

Conditions:
GJB6-related disorder. Also called: GJB6-related disorders.
Autosomal recessive nonsyndromic hearing loss 1B. Also called: DEAFNESS, AUTOSOMAL RECESSIVE 1B. Identifiers: Orphanet 90636, MedGen C2675235, MONDO:0012977, OMIM 612645.
Autosomal recessive nonsyndromic hearing loss 1A (DFNB1A). Also called: GJB2-Related Autosomal Recessive Nonsyndromic Hearing Loss; GJB6-Related DFNB 1 Nonsyndromic Hearing Loss and Deafness; Deafness, autosomal recessive 1A; Connexin 26 deafness; Deafness nonsyndromic, Connexin 26 linked; Nonsyndromic Hearing Loss and Deafness, DFNB1. Identifiers: Orphanet 90636, MedGen C2673759, MONDO:0009076, OMIM 220290.
Autosomal dominant nonsyndromic hearing loss 3B. Identifiers: Orphanet 90635, MedGen C2675237, MONDO:0012975, OMIM 612643.
Hidrotic ectodermal dysplasia syndrome (GJB6). Also called: CLOUSTON HIDROTIC ECTODERMAL DYSPLASIA; ECTODERMAL DYSPLASIA 2, CLOUSTON TYPE; Ectodermal dysplasia 2, hidrotic; Autosomal dominant hidrotic ectodermal dysplasia; Clouston syndrome; Clouston's hidrotic ectodermal dysplasia. Identifiers: Orphanet 189, MedGen C0162361, MONDO:0007510, OMIM 129500.

Allele frequency attached by ClinVar (database versions not stated): gnomAD below 0.00001 and 0.00007; TOPMed 0.00002; gnomAD exomes 0.00012 and 0.00027; 1000 Genomes Project 30x 0.00016; 1000 Genomes Project 0.00020; ExAC 0.00036.
gnomAD v4.1: 180 of 1,614,170 alleles (0.011%); highest among the groups gnomAD compares: South Asian, 0.19%; 1 homozygote.

Submissions (4):

Blueprint Genetics
Classification: Likely benign. Last evaluated: 2024-06-25. Review status: criteria provided, single submitter. Criteria: ACMG Guidelines, 2015. Collection method: clinical testing. Allele origin: germline.

Labcorp Genetics (formerly Invitae), Labcorp
Classification: Benign for Autosomal dominant nonsyndromic hearing loss 3B; Hidrotic ectodermal dysplasia syndrome; Autosomal recessive nonsyndromic hearing loss 1B; Autosomal recessive nonsyndromic hearing loss 1A. Last evaluated: 2024-02-17. Review status: criteria provided, single submitter. Criteria: Invitae Variant Classification Sherloc (09022015). Collection method: clinical testing. Allele origin: germline.

Eurofins Ntd Llc (ga)
Classification: Uncertain significance. Last evaluated: 2016-11-22. Review status: criteria provided, single submitter. Criteria: EGL Classification Definitions 2015. Collection method: clinical testing. Allele origin: germline. Observed: 1 variant allele, 1 heterozygote.

PreventionGenetics, part of Exact Sciences
Classification: Likely benign for GJB6-related condition. Last evaluated: 2022-04-28. Review status: no assertion criteria provided. Collection method: clinical testing. Allele origin: germline. Not counted in ClinVar's aggregate classification.
Comment: This variant is classified as likely benign based on ACMG/AMP sequence variant interpretation guidelines (Richards et al. 2015 PMID: 25741868, with internal and published modifications).